The following is an entry in ClinVar:

NC_000006.11:g.(32007026_32007132)_(32007235_32007322)dup

Gene: CYP21A2 (cytochrome P450 family 21 subfamily A member 2; plus strand). Cytogenetic location: 6p21.33.
Variant type: Duplication.
Identifiers: ClinVar variation 3374840 (VCV003374840.1).

ClinVar aggregate classification (germline): Uncertain significance (1 of 4 stars; one submission).

Submission:

Women's Health and Genetics/Laboratory Corporation of America, LabCorp
Classification: Uncertain significance. Last evaluated: 2024-09-13. Review status: criteria provided, single submitter. Criteria: LabCorp Variant Classification Summary - May 2015. Collection method: clinical testing. Allele origin: germline.
Comment: Variant summary: The variant involves the duplication of exon 4 in the CYP21A2 gene. A presumed nomenclature of c.(447+1_448-1)_(549+1_550-1)dup has been designated for the purposes of this classification. It is assumed to be a tandem duplication in direct orientation (PMIDs: 25640679, 30054569). This Copy Number Variant (CNV) is predicted to result in an in-frame duplication within this gene. No structural variants are annotated for the CYP21A2 gene in the in the gnomAD database SVs v2.1 and v4.1 datasets, likely due to possible pseudogene interference. To our knowledge, no occurrence of c.(447+1_448-1)_(549+1_550-1)dup in individuals affected with Congenital Adrenal Hyperplasia and no experimental evidence demonstrating its impact on protein function have been reported. No submitters have cited clinical-significance assessments for this variant to ClinVar. Based on the evidence outlined above, the variant was classified as uncertain significance.